The following is an entry in ClinVar:

ClinVar aggregate classification (germline): Uncertain significance. Review status: criteria provided, multiple submitters, no conflicts (2 of 4 stars). 4 submissions from 4 submitters: Uncertain significance (4). Last evaluated 2025-04-02.

Conditions:
Tumoral calcinosis, hyperphosphatemic, familial, 3. Identifiers: MedGen C4693864, MONDO:0060715, OMIM 617994.

Allele frequency attached by ClinVar (database versions not stated): ExAC 0.00002; gnomAD exomes 0.00002; gnomAD 0.00003 and 0.00004; TOPMed 0.00003; ESP Exome Variant Server 0.00015.
gnomAD v4.1: 32 of 1,614,062 alleles (0.002%); highest among the groups gnomAD compares: South Asian, 0.0044%; no homozygotes.

Submissions (4):

Ambry Genetics
Classification: Uncertain significance. Last evaluated: 2025-04-02. Review status: criteria provided, single submitter. Criteria: Ambry Variant Classification Scheme 2023. Collection method: clinical testing. Allele origin: germline.

Labcorp Genetics (formerly Invitae), Labcorp
Classification: Uncertain significance. Last evaluated: 2023-09-01. Review status: criteria provided, single submitter. Criteria: Invitae Variant Classification Sherloc (09022015). Collection method: clinical testing. Allele origin: germline.
Comment: In summary, the available evidence is currently insufficient to determine the role of this variant in disease. Therefore, it has been classified as a Variant of Uncertain Significance. Advanced modeling of protein sequence and biophysical properties (such as structural, functional, and spatial information, amino acid conservation, physicochemical variation, residue mobility, and thermodynamic stability) performed at Invitae indicates that this missense variant is expected to disrupt KL protein function. ClinVar contains an entry for this variant (Variation ID: 807004). This variant has not been reported in the literature in individuals affected with KL-related conditions. This variant is present in population databases (rs141695559, gnomAD 0.006%). This sequence change replaces threonine, which is neutral and polar, with methionine, which is neutral and non-polar, at codon 686 of the KL protein (p.Thr686Met).

Fulgent Genetics
Classification: Uncertain significance for Tumoral calcinosis, hyperphosphatemic, familial, 3. Last evaluated: 2022-03-23. Review status: criteria provided, single submitter. Criteria: ACMG Guidelines, 2015. Collection method: clinical testing. Allele origin: unknown.

CeGaT Center for Human Genetics Tuebingen
Classification: Uncertain significance. Last evaluated: 2017-01-01. Review status: criteria provided, single submitter. Criteria: CeGaT Center For Human Genetics Tuebingen Variant Classification Criteria Version 2. Collection method: clinical testing. Allele origin: germline. Affected: yes. Observed: 1 variant allele.

NM_004795.4(KL):c.2057C>T (p.Thr686Met)

Gene: KL (klotho; plus strand). Cytogenetic location: 13q13.1.
Variant type: single nucleotide variant.
Coding change: c.2057C>T on transcript NM_004795.4 (MANE Select); coding-DNA position 2057, C replaced by T.
Protein change: p.Thr686Met; replaces threonine 686 with methionine.
Molecular consequence: missense variant.
Genome position (GRCh38, 1-based): chr13:33,061,136, C>T. VCF-style: chr13-33061136-C-T. GRCh37 (hg19) VCF-style: chr13-33635273-C-T.
Other names: c.2057C>T (NM_004795.3); short protein forms T686M.
Identifiers: ClinVar variation 807004 (VCV000807004.48), dbSNP rs141695559, ClinGen allele CA6944238.